The following is an entry in ClinVar:

NM_177924.5(ASAH1):c.521A>G (p.Asp174Gly)

Gene: ASAH1 (N-acylsphingosine amidohydrolase 1; minus strand). Cytogenetic location: 8p22.
Variant type: single nucleotide variant.
Coding change: c.521A>G on transcript NM_177924.5 (MANE Select); coding-DNA position 521, A replaced by G.
Protein change: p.Asp174Gly; replaces aspartic acid 174 with glycine.
Molecular consequence: missense variant.
Genome position (GRCh38, 1-based): chr8:18,062,406, T>C on the plus strand (A>G on the coding strand, the complement: ASAH1 is on the minus strand). VCF-style: chr8-18062406-T-C. GRCh37 (hg19) VCF-style: chr8-17919915-T-C.
Other names: c.503A>G, p.Asp168Gly (NM_001127505.3); c.326A>G, p.Asp109Gly (NM_001363743.2); c.569A>G, p.Asp190Gly (NM_004315.6); short protein forms D168G, D190G, D109G, D174G.
Identifiers: ClinVar variation 1979596 (VCV001979596.4), dbSNP rs755120590, ClinGen allele CA4650791.

ClinVar aggregate classification (germline): Uncertain significance (1 of 4 stars; one submission).

Allele frequency attached by ClinVar (database versions not stated): ExAC 0.00002.

Submission:

Labcorp Genetics (formerly Invitae), Labcorp
Classification: Uncertain significance. Last evaluated: 2022-05-03. Review status: criteria provided, single submitter. Criteria: Invitae Variant Classification Sherloc (09022015). Collection method: clinical testing. Allele origin: germline.
Comment: This sequence change replaces aspartic acid, which is acidic and polar, with glycine, which is neutral and non-polar, at codon 174 of the ASAH1 protein (p.Asp174Gly). This variant is present in population databases (rs755120590, gnomAD 0.003%). In summary, the available evidence is currently insufficient to determine the role of this variant in disease. Therefore, it has been classified as a Variant of Uncertain Significance. Algorithms developed to predict the effect of missense changes on protein structure and function (SIFT, PolyPhen-2, Align-GVGD) all suggest that this variant is likely to be tolerated. This variant has not been reported in the literature in individuals affected with ASAH1-related conditions.